The following is an entry in ClinVar:

NM_000069.3(CACNA1S):c.191A>G (p.Asn64Ser)

Gene: CACNA1S (calcium voltage-gated channel subunit alpha1 S; minus strand). Cytogenetic location: 1q32.1.
Variant type: single nucleotide variant.
Coding change: c.191A>G on transcript NM_000069.3 (MANE Select); coding-DNA position 191, A replaced by G.
Protein change: p.Asn64Ser; replaces asparagine 64 with serine.
Molecular consequence: missense variant.
Genome position (GRCh38, 1-based): chr1:201,110,231, T>C on the plus strand (A>G on the coding strand, the complement: CACNA1S is on the minus strand). VCF-style: chr1-201110231-T-C. GRCh37 (hg19) VCF-style: chr1-201079359-T-C.
Other names: c.191A>G (NM_000069.2); short protein forms N64S.
Identifiers: ClinVar variation 3577884 (VCV003577884.3).
Genomic context (GRCh38, chr1:201,110,231, plus strand): 5'-AGGTTCAGAGAGTTGTTGTCATCTTCCGGCATGGGCAGGTACACGGCCAGGGCCACACAA[T>C]TGGCAAAGATGGTGAGCAAGATGATCGTCTCGAAGGGCCTGGAGCCAGGGTTAAGGAGAG-3'
Protein context (NP_000060.2, residues 54-74): ETIILLTIFA[Asn64Ser]CVALAVYLPM

ClinVar aggregate classification (germline): Uncertain significance. Review status: criteria provided, multiple submitters, no conflicts (2 of 4 stars). 3 submissions from 3 submitters: Uncertain significance (3). Last evaluated 2026-07-07.

Conditions:
Inborn genetic diseases. Identifiers: MedGen C0950123, MeSH D030342.
Hypokalemic periodic paralysis, type 1. Also called: HypoPP; Hypokalemic Periodic Paralysis Type 1 (AD). Identifiers: Orphanet 681, MedGen C3714580, MONDO:0042979, OMIM 170400.
Malignant hyperthermia, susceptibility to, 5 (MHS5). Also called: CACNA1S-Related Malignant Hyperthermia Susceptibility. Identifiers: Orphanet 423, MedGen C1866077, MONDO:0011163, OMIM 601887.
Thyrotoxic periodic paralysis, susceptibility to, 1 (TTPP1). Identifiers: Orphanet 79102, MedGen C2749982, MONDO:0008570, OMIM 188580.
Congenital myopathy 18. Also called: Myopathy, congenital, due to dihydropyridine receptor defect; DIHYDROPYRIDINE RECEPTOR CONGENITAL MYOPATHY; DHPR CONGENITAL MYOPATHY. Identifiers: MedGen C5830283, MONDO:0859514, OMIM 620246.

gnomAD v4.1: 6 of 1,614,106 alleles (0.00037%); highest among the groups gnomAD compares: East Asian, 0.0022%; no homozygotes.

Submissions (3):

Ambry Genetics
Classification: Uncertain significance for Inborn genetic diseases. Last evaluated: 2026-07-07. Review status: criteria provided, single submitter. Criteria: Ambry Variant Classification Scheme 2023. Collection method: clinical testing. Allele origin: germline.
Comment: The p.N64S variant (also known as c.191A>G), located in coding exon 2 of the CACNA1S gene, results from an A to G substitution at nucleotide position 191. The asparagine at codon 64 is replaced by serine, an amino acid with highly similar properties. This amino acid position is conserved. In addition, this alteration is predicted to be tolerated by in silico analysis. Based on the available evidence, the clinical significance of this variant remains unclear.

Women's Health and Genetics/Laboratory Corporation of America, LabCorp
Classification: Uncertain significance. Last evaluated: 2026-02-10. Review status: criteria provided, single submitter. Criteria: LabCorp Variant Classification Summary - May 2015. Collection method: clinical testing. Allele origin: germline.
Comment: Variant summary: CACNA1S c.191A>G (p.Asn64Ser) results in a conservative amino acid change in the encoded protein sequence. Algorithms developed to predict the effect of missense changes on protein structure and function are either unavailable or do not agree on the potential impact of this missense change. The variant allele was found at a frequency of 4e-06 in 251458 control chromosomes. The available data on variant occurrences in the general population are insufficient to allow any conclusion about variant significance. To our knowledge, no occurrence of c.191A>G in individuals affected with CACNA1S-related conditions and no experimental evidence demonstrating its impact on protein function have been reported. ClinVar contains an entry for this variant (Variation ID: 3577884). Based on the evidence outlined above, the variant was classified as uncertain significance.

Fulgent Genetics
Classification: Uncertain significance for Hypokalemic periodic paralysis, type 1; Thyrotoxic periodic paralysis, susceptibility to, 1; Malignant hyperthermia, susceptibility to, 5; Congenital myopathy 18. Last evaluated: 2024-06-09. Review status: criteria provided, single submitter. Criteria: ACMG Guidelines, 2015. Collection method: clinical testing. Allele origin: germline.